The following is an entry in ClinVar:

ClinVar aggregate classification (germline): Conflicting classifications of pathogenicity. Review status: criteria provided, conflicting classifications (1 of 4 stars). 6 submissions from 6 submitters: Uncertain significance (1); Benign (1); Likely benign (3). 1 of the submissions does not count toward it. Last evaluated 2026-02-01.

Conditions:
Nemaline myopathy 2 (NEM2). Also called: Nemaline myopathy 2, autosomal recessive. Identifiers: MedGen C1850569, MONDO:0009725, OMIM 256030.

Allele frequency attached by ClinVar (database versions not stated): gnomAD exomes 0.00009 and 0.00023; 1000 Genomes Project 0.00060; 1000 Genomes Project 30x 0.00062; ExAC 0.00063; ESP Exome Variant Server 0.00090; gnomAD 0.00098 and 0.00109; TOPMed 0.00110.
gnomAD v4.1: 293 of 1,597,424 alleles (0.018%); highest among the groups gnomAD compares: African/African-American, 0.35%; no homozygotes.

Submissions (6):

Labcorp Genetics (formerly Invitae), Labcorp
Classification: Benign for Nemaline myopathy 2. Last evaluated: 2026-02-01. Review status: criteria provided, single submitter. Criteria: Invitae Variant Classification Sherloc (09022015). Collection method: clinical testing. Allele origin: germline.

Women's Health and Genetics/Laboratory Corporation of America, LabCorp
Classification: Likely benign. Last evaluated: 2025-10-09. Review status: criteria provided, single submitter. Criteria: LabCorp Variant Classification Summary - May 2015. Collection method: clinical testing. Allele origin: germline.

Blueprint Genetics
Classification: Likely benign. Last evaluated: 2024-11-26. Review status: criteria provided, single submitter. Criteria: ACMG Guidelines, 2015. Collection method: clinical testing. Allele origin: germline.

GeneDx
Classification: Likely benign. Last evaluated: 2017-12-26. Review status: criteria provided, single submitter. Criteria: GeneDx Variant Classification (06012015). Collection method: clinical testing. Allele origin: germline. Affected: yes.
Comment: This variant is considered likely benign or benign based on one or more of the following criteria: it is a conservative change, it occurs at a poorly conserved position in the protein, it is predicted to be benign by multiple in silico algorithms, and/or has population frequency not consistent with disease.

Eurofins Ntd Llc (ga)
Classification: Uncertain significance. Last evaluated: 2014-09-12. Review status: criteria provided, single submitter. Criteria: EGL Classification Definitions 2015. Collection method: clinical testing. Allele origin: germline.

Natera, Inc.
Classification: Uncertain significance for Nemaline myopathy type 2. Last evaluated: 2020-01-24. Review status: no assertion criteria provided. Collection method: clinical testing. Allele origin: germline. Not counted in ClinVar's aggregate classification.

NM_001164508.2(NEB):c.2283C>T (p.Ala761=)

Gene: NEB (nebulin; minus strand). Cytogenetic location: 2q23.3.
Variant type: single nucleotide variant.
Coding change: c.2283C>T on transcript NM_001164508.2 (MANE Select); coding-DNA position 2283, C replaced by T.
Protein change: p.Ala761=; no amino-acid change (alanine 761 retained).
Molecular consequence: synonymous variant.
Genome position (GRCh38, 1-based): chr2:151,690,754, G>A on the plus strand (C>T on the coding strand, the complement: NEB is on the minus strand). VCF-style: chr2-151690754-G-A. GRCh37 (hg19) VCF-style: chr2-152547268-G-A.
Other names: c.2283C>T, p.Ala761= (NM_001164507.2, NM_001271208.2, NM_004543.5).
Identifiers: ClinVar variation 195822 (VCV000195822.21), dbSNP rs373946448, ClinGen allele CA242448.